The following is an entry in ClinVar:

ClinVar aggregate classification (germline): Uncertain significance. Review status: criteria provided, multiple submitters, no conflicts (2 of 4 stars). 2 submissions from 2 submitters: Uncertain significance (2). Last evaluated 2025-01-01.

Submissions (2):

CeGaT Center for Human Genetics Tuebingen
Classification: Uncertain significance. Last evaluated: 2025-01-01. Review status: criteria provided, single submitter. Criteria: CeGaT Center For Human Genetics Tuebingen Variant Classification Criteria Version 2. Collection method: clinical testing. Allele origin: germline. Affected: yes. Observed: 1 variant allele.
Comment: TUBB4A: PP2, PP3

Blueprint Genetics
Classification: Uncertain significance. Last evaluated: 2024-04-11. Review status: criteria provided, single submitter. Criteria: ACMG Guidelines, 2015. Collection method: clinical testing. Allele origin: germline.

NM_006087.4(TUBB4A):c.722G>A (p.Arg241His)

Gene: TUBB4A (tubulin beta 4A class IVa; minus strand). Cytogenetic location: 19p13.3.
Variant type: single nucleotide variant.
Coding change: c.722G>A on transcript NM_006087.4 (MANE Select); coding-DNA position 722, G replaced by A.
Protein change: p.Arg241His; replaces arginine 241 with histidine.
Molecular consequence: missense variant.
Genome position (GRCh38, 1-based): chr19:6,495,777, C>T on the plus strand (G>A on the coding strand, the complement: TUBB4A is on the minus strand). VCF-style: chr19-6495777-C-T. GRCh37 (hg19) VCF-style: chr19-6495788-C-T.
Other names: c.875G>A, p.Arg292His (NM_001289123.2); c.857G>A, p.Arg286His (NM_001289127.2); c.722G>A, p.Arg241His (NM_001289129.2); c.506G>A, p.Arg169His (NM_001289130.2, NM_001289131.2); short protein forms R169H, R241H, R286H, R292H.
Identifiers: ClinVar variation 3771302 (VCV003771302.14).